The following is an entry in ClinVar:

NM_002496.4(NDUFS8):c.325G>A (p.Glu109Lys)

Gene: NDUFS8 (NADH:ubiquinone oxidoreductase core subunit S8; plus strand). Cytogenetic location: 11q13.2.
Variant type: single nucleotide variant.
Coding change: c.325G>A on transcript NM_002496.4 (MANE Select); coding-DNA position 325, G replaced by A.
Protein change: p.Glu109Lys; replaces glutamic acid 109 with lysine.
Molecular consequence: missense variant.
Genome position (GRCh38, 1-based): chr11:68,033,236, G>A. VCF-style: chr11-68033236-G-A. GRCh37 (hg19) VCF-style: chr11-67800703-G-A.
Other names: short protein forms E109K.
Identifiers: ClinVar variation 1806071 (VCV001806071.2), dbSNP rs2495581254, ClinGen allele CA381600114.

ClinVar aggregate classification (germline): Likely pathogenic (1 of 4 stars; one submission).

Conditions:
Mitochondrial complex I deficiency, nuclear type 2. Also called: Mitochondrial complex 1 deficiency, nuclear type 2. Identifiers: MedGen C4748737, MONDO:0032606, OMIM 618222.

Submission:

Victorian Clinical Genetics Services, Murdoch Childrens Research Institute
Classification: Likely pathogenic for Mitochondrial complex I deficiency, nuclear type 2. Last evaluated: 2025-10-23. Review status: criteria provided, single submitter. Criteria: ACMG Guidelines, 2015. Collection method: clinical testing. Allele origin: germline. Affected: yes.
Comment: This variant is classified as Likely pathogenic. Evidence in support of pathogenic classification: Variant is absent from gnomAD (v2, v3 and v4); This variant has moderate functional evidence supporting abnormal protein function. Enzymatic activities of respiratory chain enzymes in this patient's fibroblast cells indicates a respiratory chain defect primarily affecting Complex I (VCGS internal data). Proteomic studies on patient fibroblasts show decreased relative abundance of NDUFS8 compared to controls and an isolated decrease in the abundance of Complex I subunits (MitoMDT Consortium, Victoria, Australia); Missense variant predicted to be damaging by in silico tool(s) or highly conserved with a major amino acid change. Additional information: Variant is predicted to result in a missense amino acid change from glutamic acid to lysine; This variant is homozygous; This gene is associated with autosomal recessive disease; This variant has no previous evidence of pathogenicity; No published segregation evidence has been identified for this variant; No comparable missense variants have previous evidence for pathogenicity; Variant is located in the annotated 4Fe-4S ferredoxin-type 1 domain (UniProt); Loss of function is a known mechanism of disease in this gene and is associated with mitochondrial complex I deficiency, nuclear type 2 (MIM#618222); Variants in this gene are known to have variable expressivity (OMIM); Inheritance information for this variant is not currently available in this individual.